The following is an entry in ClinVar:

ClinVar aggregate classification (germline): Uncertain significance. Review status: criteria provided, multiple submitters, no conflicts (2 of 4 stars). 3 submissions from 3 submitters: Uncertain significance (3). Last evaluated 2025-02-12.

Conditions:
Peroxisome biogenesis disorder 7A (Zellweger). Also called: Peroxisome biogenesis disorder 7A. Identifiers: Orphanet 912, MedGen C3888385, MONDO:0013938, OMIM 614872.
Peroxisome biogenesis disorder 7B (PBD7B). Identifiers: Orphanet 44, MedGen C3553951, MONDO:0013939, OMIM 614873.
Inborn genetic diseases. Identifiers: MedGen C0950123, MeSH D030342.

Allele frequency attached by ClinVar (database versions not stated): gnomAD below 0.00001 and 0.00001; TOPMed below 0.00001; gnomAD exomes 0.00001 and 0.00002; ExAC 0.00002.
gnomAD v4.1: 22 of 1,613,964 alleles (0.0014%); highest among the groups gnomAD compares: South Asian, 0.022%; no homozygotes.

Submissions (3):

Ambry Genetics
Classification: Uncertain significance for Inborn genetic diseases. Last evaluated: 2025-02-12. Review status: criteria provided, single submitter. Criteria: Ambry Variant Classification Scheme 2023. Collection method: clinical testing. Allele origin: germline.

Blueprint Genetics
Classification: Uncertain significance. Last evaluated: 2022-10-31. Review status: criteria provided, single submitter. Criteria: ACMG Guidelines, 2015. Collection method: clinical testing. Allele origin: germline.

Labcorp Genetics (formerly Invitae), Labcorp
Classification: Uncertain significance for Peroxisome biogenesis disorder 7A (Zellweger); Peroxisome biogenesis disorder 7B. Last evaluated: 2022-01-26. Review status: criteria provided, single submitter. Criteria: Invitae Variant Classification Sherloc (09022015). Collection method: clinical testing. Allele origin: germline.
Comment: This sequence change replaces glutamic acid, which is acidic and polar, with glycine, which is neutral and non-polar, at codon 190 of the PEX26 protein (p.Glu190Gly). This variant is present in population databases (rs201867828, gnomAD 0.01%). This variant has not been reported in the literature in individuals affected with PEX26-related conditions. ClinVar contains an entry for this variant (Variation ID: 956289). Algorithms developed to predict the effect of missense changes on protein structure and function are either unavailable or do not agree on the potential impact of this missense change (SIFT: "Deleterious"; PolyPhen-2: "Possibly Damaging"; Align-GVGD: "Class C0"). In summary, the available evidence is currently insufficient to determine the role of this variant in disease. Therefore, it has been classified as a Variant of Uncertain Significance.

NM_001127649.3(PEX26):c.569A>G (p.Glu190Gly)

Gene: PEX26 (peroxisomal biogenesis factor 26; plus strand). Cytogenetic location: 22q11.21.
Variant type: single nucleotide variant.
Coding change: c.569A>G on transcript NM_001127649.3 (MANE Select); coding-DNA position 569, A replaced by G.
Protein change: p.Glu190Gly; replaces glutamic acid 190 with glycine.
Molecular consequence: missense variant.
Genome position (GRCh38, 1-based): chr22:18,083,634, A>G. VCF-style: chr22-18083634-A-G. GRCh37 (hg19) VCF-style: chr22-18566400-A-G.
Other names: c.569A>G, p.Glu190Gly (NM_001199319.2, NM_017929.6); short protein forms E190G.
Identifiers: ClinVar variation 956289 (VCV000956289.9), dbSNP rs201867828, ClinGen allele CA10093354.